The following is an entry in ClinVar:

NM_000104.4(CYP1B1):c.1345_1347delinsAC (p.Asp449fs)

Genes: CYP1B1 (cytochrome P450 family 1 subfamily B member 1; minus strand), LOC128772254 (melanoma risk locus-associated MPRA allelic enhancer 2:38298139; plus strand). Cytogenetic location: 2p22.2.
Variant type: Indel.
Coding change: c.1345_1347delinsAC on transcript NM_000104.4 (MANE Select); coding-DNA positions 1345 to 1347, GAT replaced by AC.
Protein change: p.Asp449fs; shifts the reading frame from aspartic acid 449.
Molecular consequence: frameshift variant.
Genome position (GRCh38, 1-based): chr2:38,071,007-38,071,009, ATC replaced by GT on the plus strand (GAT replaced by AC on the coding strand, the reverse complement: CYP1B1 is on the minus strand). VCF-style: chr2-38071007-ATC-GT. GRCh37 (hg19) VCF-style: chr2-38298150-ATC-GT.
Other names: c.1345_1347delinsAC (NM_000104.3); short protein forms D449fs.
Identifiers: ClinVar variation 4710695 (VCV004710695.4).

ClinVar aggregate classification (germline): Pathogenic/Likely pathogenic. Review status: criteria provided, multiple submitters, no conflicts (2 of 4 stars). 3 submissions from 3 submitters: Pathogenic (1); Likely pathogenic (2). Last evaluated 2026-03-09.

Conditions:
Congenital glaucoma. Identifiers: MedGen C0020302, MONDO:0020366.
CYP1B1-related disorder. Also called: CYP1B1-Related Disorders. Identifiers: MedGen CN239260.

Submissions (3):

PreventionGenetics, part of Exact Sciences
Classification: Likely pathogenic for CYP1B1-related condition. Last evaluated: 2026-03-09. Review status: criteria provided, single submitter. Criteria: ACMG Guidelines, 2015. Collection method: clinical testing. Allele origin: germline.
Comment: The CYP1B1 c.1345_1347delinsAC variant is predicted to result in a frameshift and premature protein termination (p.Asp449Thrfs*8). This variant was reported along with another variant in CYP1B1 in an individual with primary congenital glaucoma (Table 5, Stingl et al. 2021. PubMed ID: 35011756). This variant has not been reported in a large population database (gnomAD), indicating this variant is rare. Frameshift variants in CYP1B1 are expected to be pathogenic. This variant is interpreted as likely pathogenic.

Dasa
Classification: Likely pathogenic. Last evaluated: 2025-12-03. Review status: criteria provided, single submitter. Criteria: DASA Assertion Criteria. Collection method: clinical testing. Allele origin: germline.
Comment: NM_000104.4(CYP1B1):c.1345_1347delinsAC (p.Asp449Thrfs*8) is a frameshift variant in CYP1B1 predicted to alter the reading frame and introduce a premature termination codon and is predicted to result in an absent or altered protein product. Loss of function is an established disease mechanism for CYP1B1-associated disorders. This variant has been reported in individuals with CYP1B1-related disorders (PMID: 35011756). Also, this variant is absent from population databases. Based on the currently available evidence, this variant is classified as likely pathogenic.

Labcorp Genetics (formerly Invitae), Labcorp
Classification: Pathogenic for Congenital glaucoma. Last evaluated: 2025-07-23. Review status: criteria provided, single submitter. Criteria: Invitae Variant Classification Sherloc (09022015). Collection method: clinical testing. Allele origin: germline.
Comment: This sequence change creates a premature translational stop signal (p.Asp449Thrfs*8) in the CYP1B1 gene. While this is not anticipated to result in nonsense mediated decay, it is expected to disrupt the last 95 amino acid(s) of the CYP1B1 protein. Information on the frequency of this variant in the gnomAD database is not available, as this variant may be reported differently in the database. This premature translational stop signal has been observed in individual(s) with primary congenital glaucoma (PMID: 35011756). This variant disrupts a region of the CYP1B1 protein in which other variant(s) (p.Arg469Trp) have been determined to be pathogenic (PMID: 9463332, 10655546, 18852424, 19234632). This suggests that this is a clinically significant region of the protein, and that variants that disrupt it are likely to be disease-causing. For these reasons, this variant has been classified as Pathogenic.

Literature cited by the submitters: PubMed 35011756 (cited by Dasa and Labcorp Genetics (formerly Invitae), Labcorp); PubMed 9463332 (cited by Labcorp Genetics (formerly Invitae), Labcorp); PubMed 10655546 (cited by Labcorp Genetics (formerly Invitae), Labcorp); PubMed 18852424 (cited by Labcorp Genetics (formerly Invitae), Labcorp); PubMed 19234632 (cited by Labcorp Genetics (formerly Invitae), Labcorp).